The following is an entry in ClinVar:

NM_001743.6(CALM2):c.34+121_34+122del

Gene: CALM2 (calmodulin 2; minus strand). Cytogenetic location: 2p21.
Variant type: Microsatellite.
Coding change: c.34+121_34+122del on transcript NM_001743.6 (MANE Select); bases 121 to 122 of the intron after coding-DNA position 34, 2 bases deleted (AT; older notation c.34+121_34+122delAT).
Molecular consequence: intron variant.
Genome position (GRCh38, 1-based): chr2:47,170,612-47,170,613, AT deleted on the plus strand (AT on the coding strand, the reverse complement: CALM2 is on the minus strand); deleting any 2 consecutive bases within chr2:47,170,612-47,170,615 gives the same sequence; the c. name uses the placement nearest the transcript's 3' end. VCF-style (leftmost placement, unchanged base first): chr2-47170611-CAT-C. GRCh37 (hg19) VCF-style: chr2-47397750-CAT-C.
Other names: c.178+121_178+122del (NM_001305624.1); c.-75+121_-75+122del (NM_001305626.1, NM_001305625.2).
Identifiers: ClinVar variation 679655 (VCV000679655.1), dbSNP rs140003206, ClinGen allele CA46699563.

ClinVar aggregate classification (germline): Likely benign (1 of 4 stars; one submission).

Submission:

GeneDx
Classification: Likely benign. Last evaluated: 2018-06-14. Review status: criteria provided, single submitter. Criteria: GeneDx Variant Classification (06012015). Collection method: clinical testing. Allele origin: germline. Affected: yes.
Comment: This variant is considered likely benign or benign based on one or more of the following criteria: it is a conservative change, it occurs at a poorly conserved position in the protein, it is predicted to be benign by multiple in silico algorithms, and/or has population frequency not consistent with disease.